The following is an entry in ClinVar:

NM_001737.5(C9):c.133A>T (p.Met45Leu)

Gene: C9 (complement C9; minus strand). Cytogenetic location: 5p13.1.
Variant type: single nucleotide variant.
Coding change: c.133A>T on transcript NM_001737.5 (MANE Select); coding-DNA position 133, A replaced by T.
Protein change: p.Met45Leu; replaces methionine 45 with leucine.
Molecular consequence: missense variant.
Genome position (GRCh38, 1-based): chr5:39,342,141, T>A on the plus strand (A>T on the coding strand, the complement: C9 is on the minus strand). VCF-style: chr5-39342141-T-A. GRCh37 (hg19) VCF-style: chr5-39342243-T-A.
Other names: c.133A>T (LRG_32t1); short protein forms M45L.
Identifiers: ClinVar variation 522196 (VCV000522196.38), dbSNP rs41271047, ClinGen allele CA3247128.

ClinVar aggregate classification (germline): Likely benign. Review status: criteria provided, multiple submitters, no conflicts (2 of 4 stars). 6 submissions from 6 submitters: Likely benign (5). 1 of the submissions does not count toward it. Last evaluated 2026-01-27.

Conditions:
Complement component 9 deficiency (C9D). Also called: C9 deficiency. Identifiers: MedGen C3151189, MONDO:0013445, OMIM 613825.
C9-related disorder. Also called: C9-related condition.

Allele frequency attached by ClinVar (database versions not stated): 1000 Genomes Project 0.00020; 1000 Genomes Project 30x 0.00031; gnomAD 0.00180 and 0.00183; TOPMed 0.00181; gnomAD exomes 0.00187 and 0.00265; ExAC 0.00206; ESP Exome Variant Server 0.00269.
gnomAD v4.1: 4,096 of 1,611,234 alleles (0.25%); highest among the groups gnomAD compares: Non-Finnish European, 0.32%; 8 homozygotes.

Submissions (6):

Labcorp Genetics (formerly Invitae), Labcorp
Classification: Likely benign. Last evaluated: 2026-01-27. Review status: criteria provided, single submitter. Criteria: Invitae Variant Classification Sherloc (09022015). Collection method: clinical testing. Allele origin: germline.

Blueprint Genetics
Classification: Likely benign. Last evaluated: 2024-11-20. Review status: criteria provided, single submitter. Criteria: ACMG Guidelines, 2015. Collection method: clinical testing. Allele origin: germline.

CeGaT Center for Human Genetics Tuebingen
Classification: Likely benign. Last evaluated: 2023-02-01. Review status: criteria provided, single submitter. Criteria: CeGaT Center For Human Genetics Tuebingen Variant Classification Criteria Version 2. Collection method: clinical testing. Allele origin: germline. Affected: yes. Observed: 1 variant allele.
Comment: C9: BP4, BS2

Genome Diagnostics Laboratory, University Medical Center Utrecht
Classification: Likely benign for Complement component 9 deficiency. Last evaluated: 2017-06-02. Review status: criteria provided, single submitter. Criteria: ACGS Guidelines, 2013. Collection method: clinical testing. Allele origin: germline. Affected: yes. Study: VKGL Data-share Consensus.

Clinical Genetics DNA and cytogenetics Diagnostics Lab, Erasmus MC, Erasmus Medical Center
Classification: Likely benign for Complement component 9 deficiency. Last evaluated: 2016-02-23. Review status: criteria provided, single submitter. Criteria: ACGS Guidelines, 2013. Collection method: clinical testing. Allele origin: germline. Affected: yes. Study: VKGL Data-share Consensus.

PreventionGenetics, part of Exact Sciences
Classification: Likely benign for C9-related condition. Last evaluated: 2023-03-08. Review status: no assertion criteria provided. Collection method: clinical testing. Allele origin: germline. Not counted in ClinVar's aggregate classification.
Comment: This variant is classified as likely benign based on ACMG/AMP sequence variant interpretation guidelines (Richards et al. 2015 PMID: 25741868, with internal and published modifications).